The following is an entry in ClinVar:

NM_198576.4(AGRN):c.1172G>A (p.Gly391Asp)

Gene: AGRN (agrin; plus strand). Cytogenetic location: 1p36.33.
Variant type: single nucleotide variant.
Coding change: c.1172G>A on transcript NM_198576.4 (MANE Select); coding-DNA position 1172, G replaced by A.
Protein change: p.Gly391Asp; replaces glycine 391 with aspartic acid.
Molecular consequence: missense variant.
Genome position (GRCh38, 1-based): chr1:1,041,697, G>A. VCF-style: chr1-1041697-G-A. GRCh37 (hg19) VCF-style: chr1-977077-G-A.
Other names: c.1172G>A, p.Gly391Asp (NM_001305275.2); c.857G>A, p.Gly286Asp (NM_001364727.2); c.1172G>A (NM_198576.3); short protein forms G286D, G391D.
Identifiers: ClinVar variation 1008222 (VCV001008222.9), dbSNP rs747578197, ClinGen allele CA508027.

ClinVar aggregate classification (germline): Uncertain significance. Review status: criteria provided, multiple submitters, no conflicts (2 of 4 stars). 2 submissions from 2 submitters: Uncertain significance (2). Last evaluated 2025-06-02.

Conditions:
Congenital myasthenic syndrome 8. Also called: MYASTHENIC SYNDROME, CONGENITAL, DUE TO AGRIN DEFICIENCY; Myasthenic syndrome, congenital, 8, with pre- and postsynaptic defects. Identifiers: Orphanet 590, MedGen C3808739, MONDO:0014052, OMIM 615120.

Allele frequency attached by ClinVar (database versions not stated): ExAC 0.00001.

Submissions (2):

GeneDx
Classification: Uncertain significance. Last evaluated: 2025-06-02. Review status: criteria provided, single submitter. Criteria: GeneDx Variant Classification Process June 2021. Collection method: clinical testing. Allele origin: germline. Affected: yes.
Comment: Not observed at significant frequency in large population cohorts (gnomAD); In silico analysis suggests that this missense variant does not alter protein structure/function; Has not been previously published as pathogenic or benign to our knowledge

Labcorp Genetics (formerly Invitae), Labcorp
Classification: Uncertain significance for Congenital myasthenic syndrome 8. Last evaluated: 2022-08-16. Review status: criteria provided, single submitter. Criteria: Invitae Variant Classification Sherloc (09022015). Collection method: clinical testing. Allele origin: germline.
Comment: In summary, the available evidence is currently insufficient to determine the role of this variant in disease. Therefore, it has been classified as a Variant of Uncertain Significance. Algorithms developed to predict the effect of missense changes on protein structure and function output the following: SIFT: "Tolerated"; PolyPhen-2: "Probably Damaging"; Align-GVGD: "Class C0". The aspartic acid amino acid residue is found in multiple mammalian species, which suggests that this missense change does not adversely affect protein function. ClinVar contains an entry for this variant (Variation ID: 1008222). This variant has not been reported in the literature in individuals affected with AGRN-related conditions. This variant is not present in population databases (gnomAD no frequency). This sequence change replaces glycine, which is neutral and non-polar, with aspartic acid, which is acidic and polar, at codon 391 of the AGRN protein (p.Gly391Asp).